The following is an entry in ClinVar:

ClinVar aggregate classification (germline): Uncertain significance (1 of 4 stars; one submission).

Conditions:
Long QT syndrome (LQTS). Identifiers: MedGen C0023976, MeSH D008133, MONDO:0002442. Disease mechanism: loss of function. Inheritance: Various modes of inheritance.

Submission:

All of Us Research Program, National Institutes of Health
Classification: Uncertain significance for Long QT syndrome. Last evaluated: 2024-01-11. Review status: criteria provided, single submitter. Criteria: ACMG Guidelines, 2015. Collection method: clinical testing. Allele origin: germline. Inheritance: Autosomal dominant inheritance. Observed: 1 variant allele, 1 heterozygote.
Comment: This study involves interpretation of variants in research participants for the purpose of population health screening. Participant phenotype was not available at the time of variant classification. Additional details can be found in publication PMID: 35346344, PMCID: PMC8962531

NM_000218.3(KCNQ1):c.1822C>T (p.Leu608Phe)

Genes: KCNQ1 (potassium voltage-gated channel subfamily Q member 1; plus strand), KCNQ1-AS1 (KCNQ1 antisense RNA 1; minus strand). Cytogenetic location: 11p15.4.
Variant type: single nucleotide variant.
Coding change: c.1822C>T on transcript NM_000218.3 (MANE Select); coding-DNA position 1822, C replaced by T.
Protein change: p.Leu608Phe; replaces leucine 608 with phenylalanine.
Molecular consequence: missense variant.
Genome position (GRCh38, 1-based): chr11:2,847,794, C>T. VCF-style: chr11-2847794-C-T. GRCh37 (hg19) VCF-style: chr11-2869024-C-T.
Other names: c.1726C>T, p.Leu576Phe (NM_001406836.1); c.1552C>T, p.Leu518Phe (NM_001406837.1); c.1282C>T, p.Leu428Phe (NM_001406838.1); c.334C>T, p.Leu112Phe (NM_001406839.1); c.1441C>T, p.Leu481Phe (NM_181798.2); short protein forms L112F, L428F, L481F, L518F, L576F, L608F.
Identifiers: ClinVar variation 3075204 (VCV003075204.1), dbSNP rs1554932663, ClinGen allele CA379140229.